The following is an entry in ClinVar:

ClinVar aggregate classification (germline): Benign. Review status: criteria provided, multiple submitters, no conflicts (2 of 4 stars). 4 submissions from 4 submitters: Benign (4). Last evaluated 2026-02-02.

Allele frequency attached by ClinVar (database versions not stated): ESP Exome Variant Server 0.01215; gnomAD exomes 0.01493 and 0.03472; gnomAD 0.01928 and 0.02371; TOPMed 0.02174; ExAC 0.03525; 1000 Genomes Project 30x 0.06621; 1000 Genomes Project 0.07029.
gnomAD v4.1: 26,220 of 1,613,884 alleles (1.6%); highest among the groups gnomAD compares: East Asian, 17%; 1,283 homozygotes.

Submissions (4):

Labcorp Genetics (formerly Invitae), Labcorp
Classification: Benign. Last evaluated: 2026-02-02. Review status: criteria provided, single submitter. Criteria: Invitae Variant Classification Sherloc (09022015). Collection method: clinical testing. Allele origin: germline.

Blueprint Genetics
Classification: Benign. Last evaluated: 2024-11-26. Review status: criteria provided, single submitter. Criteria: ACMG Guidelines, 2015. Collection method: clinical testing. Allele origin: germline.

GeneDx
Classification: Benign. Last evaluated: 2014-02-26. Review status: criteria provided, single submitter. Criteria: GeneDx Variant Classification (06012015). Collection method: clinical testing. Allele origin: germline. Affected: yes.
Comment: This variant is considered likely benign or benign based on one or more of the following criteria: it is a conservative change, it occurs at a poorly conserved position in the protein, it is predicted to be benign by multiple in silico algorithms, and/or has population frequency not consistent with disease.

Breakthrough Genomics
Classification: Benign. Review status: criteria provided, single submitter. Criteria: ACMG Guidelines, 2015. Collection method: not provided. Allele origin: germline. Inheritance: Autosomal recessive inheritance. Affected: yes.

NM_001048166.1(STIL):c.2218-17G>A

Gene: STIL (STIL centriolar assembly protein; minus strand). Cytogenetic location: 1p33.
Variant type: single nucleotide variant.
Coding change: c.2218-17G>A on transcript NM_001048166.1 (MANE Select); 17 bases into the intron before coding-DNA position 2218, G replaced by A.
Molecular consequence: intron variant.
Genome position (GRCh38, 1-based): chr1:47,272,258, C>T on the plus strand (G>A on the coding strand, the complement: STIL is on the minus strand). VCF-style: chr1-47272258-C-T. GRCh37 (hg19) VCF-style: chr1-47737930-C-T.
Other names: c.2218-17G>A (NM_003035.2, NM_001282937.1, NM_001282936.1); c.2077-17G>A (NM_001282939.1, NM_001282938.1).
Identifiers: ClinVar variation 139329 (VCV000139329.11), dbSNP rs2758741, ClinGen allele CA293774.
Genomic context (GRCh38, chr1:47,272,258, plus strand): 5'-GGGGAACAGGGCATCAGAGACTGTGCTTCCAACAAACGCTGAATCTGTATCAATTAAAAA[C>T]ATACTTTAAACTGACAGGGAAGTAATCAACAAAACTGGCAGCAGTTTAATAATGAATTAC-3'